The following is an entry in ClinVar:

NM_025114.4(CEP290):c.4839A>G (p.Pro1613=)

Gene: CEP290 (centrosomal protein 290; minus strand). Cytogenetic location: 12q21.32.
Variant type: single nucleotide variant.
Coding change: c.4839A>G on transcript NM_025114.4 (MANE Select); coding-DNA position 4839, A replaced by G.
Protein change: p.Pro1613=; no amino-acid change (proline 1613 retained).
Molecular consequence: synonymous variant.
Genome position (GRCh38, 1-based): chr12:88,083,204, T>C on the plus strand (A>G on the coding strand, the complement: CEP290 is on the minus strand). VCF-style: chr12-88083204-T-C. GRCh37 (hg19) VCF-style: chr12-88476981-T-C.
Other names: c.4839A>G (NM_025114.3).
Identifiers: ClinVar variation 1639978 (VCV001639978.9), dbSNP rs1273165449, ClinGen allele CA481075964.
Genomic context (GRCh38, chr12:88,083,204, plus strand): 5'-TTGTTCTGCTACTGTCTGTTCCATCTCAGCCAGACGAATAAAATGCTTGTTGGTAGGAAC[T>C]GGAGTGGGAGACTGTTTCATTAAATCCTATAAAATATGAATATATTAGCAATAGGCATGT-3'
Protein context (NP_079390.3, residues 1603-1623): AWDLMKQSPT[Pro1613=]VPTNKHFIRL

ClinVar aggregate classification (germline): Likely benign. Review status: criteria provided, single submitter (1 of 4 stars). 2 submissions from 2 submitters: Likely benign (1). 1 of the submissions does not count toward it. Last evaluated 2023-06-23.

Conditions:
CEP290-related disorder. Also called: CEP290-related condition; CEP290-related disorders. Identifiers: MedGen CN239314.
Joubert syndrome. Also called: CEREBELLOPARENCHYMAL DISORDER IV; JOUBERT-BOLTSHAUSER SYNDROME; Familial aplasia of the vermis. Identifiers: Orphanet 475, MedGen C5979921, MONDO:0018772.
Nephronophthisis. Also called: Juvenile Nephronophthisis. Identifiers: Orphanet 655, MedGen C0687120, MONDO:0019005, HP:0000090.
Meckel-Gruber syndrome. Also called: DYSENCEPHALIA SPLANCHNOCYSTICA; GRUBER SYNDROME; Dysencephalia splachnocystica. Identifiers: Orphanet 564, MedGen C0265215, MONDO:0018921.

Allele frequency attached by ClinVar (database versions not stated): gnomAD 0.00001; gnomAD exomes 0.00001; TOPMed 0.00001.

Submissions (2):

Labcorp Genetics (formerly Invitae), Labcorp
Classification: Likely benign for Joubert syndrome; Meckel-Gruber syndrome; Nephronophthisis. Last evaluated: 2023-06-23. Review status: criteria provided, single submitter. Criteria: Invitae Variant Classification Sherloc (09022015). Collection method: clinical testing. Allele origin: germline.

PreventionGenetics, part of Exact Sciences
Classification: Likely benign for CEP290-related condition. Last evaluated: 2024-08-28. Review status: no assertion criteria provided. Collection method: clinical testing. Allele origin: germline. Not counted in ClinVar's aggregate classification.
Comment: This variant is classified as likely benign based on ACMG/AMP sequence variant interpretation guidelines (Richards et al. 2015 PMID: 25741868, with internal and published modifications).